The following is an entry in ClinVar:

NM_022124.6(CDH23):c.325G>A (p.Asp109Asn)

Genes: CDH23 (cadherin related 23; plus strand), CDH23-AS1 (CDH23 antisense RNA 1; minus strand). Cytogenetic location: 10q22.1.
Variant type: single nucleotide variant.
Coding change: c.325G>A on transcript NM_022124.6 (MANE Select); coding-DNA position 325, G replaced by A.
Protein change: p.Asp109Asn; replaces aspartic acid 109 with asparagine.
Molecular consequence: missense variant.
Genome position (GRCh38, 1-based): chr10:71,510,990, G>A. VCF-style: chr10-71510990-G-A. GRCh37 (hg19) VCF-style: chr10-73270747-G-A.
Other names: c.325G>A, p.Asp109Asn (NM_001171930.2, NM_001171931.2, NM_001171932.2 and 1 more transcripts); short protein forms D109N.
Identifiers: ClinVar variation 162865 (VCV000162865.19), dbSNP rs199793172, ClinGen allele CA175456.

ClinVar aggregate classification (germline): Uncertain significance. Review status: criteria provided, multiple submitters, no conflicts (2 of 4 stars). 7 submissions from 7 submitters: Uncertain significance (6). 1 of the submissions does not count toward it. Last evaluated 2026-09-02.

Conditions:
CDH23-related disorder. Also called: CDH23-related condition; CDH23-related disorders.
Usher syndrome type 1 (USH1). Also called: RETINITIS PIGMENTOSA AND CONGENITAL DEAFNESS. Identifiers: Orphanet 231169, Orphanet 886, MedGen C1568247, MONDO:0010168, OMIM 276900.

Allele frequency attached by ClinVar (database versions not stated): gnomAD 0.00003; ExAC 0.00005; TOPMed 0.00009.
gnomAD v4.1: 257 of 1,613,746 alleles (0.016%); highest among the groups gnomAD compares: Non-Finnish European, 0.021%; no homozygotes.

Submissions (7):

PreventionGenetics, part of Exact Sciences
Classification: Uncertain significance for CDH23-related condition. Last evaluated: 2026-09-02. Review status: criteria provided, single submitter. Criteria: ACMG Guidelines, 2015. Collection method: clinical testing. Allele origin: germline.
Comment: The CDH23 c.325G>A variant is predicted to result in the amino acid substitution p.Asp109Asn. To our knowledge, this variant has not been reported in the literature. This variant is reported in 0.012% of alleles in individuals of African descent in gnomAD. At this time, the clinical significance of this variant is uncertain due to the absence of conclusive functional and genetic evidence.

Blueprint Genetics
Classification: Uncertain significance. Last evaluated: 2024-09-12. Review status: criteria provided, single submitter. Criteria: ACMG Guidelines, 2015. Collection method: clinical testing. Allele origin: germline.

GeneDx
Classification: Uncertain significance. Last evaluated: 2024-06-10. Review status: criteria provided, single submitter. Criteria: GeneDx Variant Classification Process June 2021. Collection method: clinical testing. Allele origin: germline. Affected: yes.
Comment: In silico analysis supports that this missense variant has a deleterious effect on protein structure/function; Has not been previously published as pathogenic or benign to our knowledge

Labcorp Genetics (formerly Invitae), Labcorp
Classification: Uncertain significance. Last evaluated: 2022-08-23. Review status: criteria provided, single submitter. Criteria: Invitae Variant Classification Sherloc (09022015). Collection method: clinical testing. Allele origin: germline.
Comment: This sequence change replaces aspartic acid, which is acidic and polar, with asparagine, which is neutral and polar, at codon 109 of the CDH23 protein (p.Asp109Asn). This variant is present in population databases (rs199793172, gnomAD 0.01%). This variant has not been reported in the literature in individuals affected with CDH23-related conditions. ClinVar contains an entry for this variant (Variation ID: 162865). Algorithms developed to predict the effect of missense changes on protein structure and function are either unavailable or do not agree on the potential impact of this missense change (SIFT: "Deleterious"; PolyPhen-2: "Not Available"; Align-GVGD: "Class C0"). In summary, the available evidence is currently insufficient to determine the role of this variant in disease. Therefore, it has been classified as a Variant of Uncertain Significance.

ARUP Laboratories, Molecular Genetics and Genomics, ARUP Laboratories
Classification: Uncertain significance. Last evaluated: 2017-07-31. Review status: criteria provided, single submitter. Criteria: ARUP Molecular Germline Variant Investigation Process. Collection method: clinical testing. Allele origin: germline.
Comment: The p.Asp109Asn variant (rs199793172) has not been reported in the medical literature; however, it is listed in the ClinVar database as a variant of uncertain significance (Variation ID: 162865). It is listed in the Genome Aggregation Database (gnomAD) browser with an overall frequency of 0.006% (identified in 18 out of 277,142 chromosomes). The aspartic at codon 109 is moderately conserved considering 12 species (Alamut software v2.9), and computational analyses suggest this variant has a significant effect on CDH23 protein structure/function (SIFT: damaging, PolyPhen2: probably damaging, and Mutation Taster: disease causing). However, based on the available information, the clinical significance of the p.Asp109Asn variant cannot be determined with certainty.

Laboratory for Molecular Medicine, Mass General Brigham Personalized Medicine
Classification: Uncertain significance. Last evaluated: 2014-10-19. Review status: criteria provided, single submitter. Criteria: LMM Criteria. Collection method: clinical testing. Allele origin: germline. Observed: 1 variant allele.
Comment: The p.Asp109Asn variant in CDH23 gene has not been previously reported in indivi duals with hearing loss or in large population studies. Computational prediction tools and conservation analysis suggest that this variant may impact the protei n, though this information is not predictive enough to determine pathogenicity. In summary, the clinical significance of the p.Asp109Asn variant is uncertain.

Natera, Inc.
Classification: Uncertain significance for Usher syndrome type 1. Last evaluated: 2020-02-18. Review status: no assertion criteria provided. Collection method: clinical testing. Allele origin: germline. Not counted in ClinVar's aggregate classification.